The following is an entry in ClinVar:

ClinVar aggregate classification (germline): Uncertain significance. Review status: criteria provided, multiple submitters, no conflicts (2 of 4 stars). 2 submissions from 2 submitters: Uncertain significance (2). Last evaluated 2025-12-11.

Conditions:
Inborn genetic diseases. Identifiers: MedGen C0950123, MeSH D030342.

gnomAD v4.1: 2 of 1,341,038 alleles (0.00015%); highest among the groups gnomAD compares: South Asian, 0.002%; no homozygotes.

Submissions (2):

Ambry Genetics
Classification: Uncertain significance for Inborn genetic diseases. Last evaluated: 2025-12-11. Review status: criteria provided, single submitter. Criteria: Ambry Variant Classification Scheme 2023. Collection method: clinical testing. Allele origin: germline.

Labcorp Genetics (formerly Invitae), Labcorp
Classification: Uncertain significance. Last evaluated: 2025-07-27. Review status: criteria provided, single submitter. Criteria: Invitae Variant Classification Sherloc (09022015). Collection method: clinical testing. Allele origin: germline.
Comment: This sequence change replaces proline, which is neutral and non-polar, with serine, which is neutral and polar, at codon 136 of the ARID1A protein (p.Pro136Ser). This variant is not present in population databases (gnomAD no frequency). This variant has not been reported in the literature in individuals affected with ARID1A-related conditions. Invitae Evidence Modeling of protein sequence and biophysical properties (such as structural, functional, and spatial information, amino acid conservation, physicochemical variation, residue mobility, and thermodynamic stability) indicates that this missense variant is not expected to disrupt ARID1A protein function with a negative predictive value of 95%. In summary, the available evidence is currently insufficient to determine the role of this variant in disease. Therefore, it has been classified as a Variant of Uncertain Significance.

NM_006015.6(ARID1A):c.406C>T (p.Pro136Ser)

Gene: ARID1A (AT-rich interaction domain 1A; plus strand). Cytogenetic location: 1p36.11.
Variant type: single nucleotide variant.
Coding change: c.406C>T on transcript NM_006015.6 (MANE Select); coding-DNA position 406, C replaced by T.
Protein change: p.Pro136Ser; replaces proline 136 with serine.
Molecular consequence: missense variant.
Genome position (GRCh38, 1-based): chr1:26,696,809, C>T. VCF-style: chr1-26696809-C-T. GRCh37 (hg19) VCF-style: chr1-27023300-C-T.
Other names: c.406C>T, p.Pro136Ser (NM_139135.4); short protein forms P136S.
Identifiers: ClinVar variation 4584592 (VCV004584592.2).